The following is an entry in ClinVar:

ClinVar aggregate classification (germline): Uncertain significance (1 of 4 stars; one submission).

Submission:

Labcorp Genetics (formerly Invitae), Labcorp
Classification: Uncertain significance. Last evaluated: 2022-11-01. Review status: criteria provided, single submitter. Criteria: Invitae Variant Classification Sherloc (09022015). Collection method: clinical testing. Allele origin: germline.
Comment: This sequence change results in a frameshift in the CERKL gene (p.Lys558Tyrfs*21). While this is not anticipated to result in nonsense mediated decay, it is expected to disrupt the last 1 amino acid(s) of the CERKL protein and extend the protein by 19 additional amino acid residues. This variant is present in population databases (rs779379367, gnomAD 0.01%). This variant has not been reported in the literature in individuals affected with CERKL-related conditions. In summary, the available evidence is currently insufficient to determine the role of this variant in disease. Therefore, it has been classified as a Variant of Uncertain Significance.

NM_201548.5(CERKL):c.1553_1592dup (p.Lys532fs)

Genes: CERKL (CERK like autophagy regulator; minus strand), ITGA4 (integrin subunit alpha 4; plus strand). Cytogenetic location: 2q31.3.
Variant type: Duplication.
Coding change: c.1553_1592dup on transcript NM_201548.5 (MANE Select); coding-DNA positions 1553 to 1592, 40 bases duplicated.
Protein change: p.Lys532fs; shifts the reading frame from lysine 532.
Molecular consequence: frameshift variant. On other transcripts: 3 prime UTR variant (1), non-coding transcript variant (2).
Genome position (GRCh38, 1-based): chr2:181,538,191-181,538,230, 40 bases duplicated; duplicating any 40 consecutive bases within chr2:181,538,191-181,538,231 gives the same sequence; the c. name uses the placement nearest the transcript's 3' end. GRCh37 (hg19): chr2:182,402,919-182,402,958.
Other names: c.*2665_*2704dup (NM_000885.6); c.1631_1670dup, p.Lys558fs (NM_001030311.3); c.1214_1253dup, p.Lys419fs (NM_001030312.3); c.1346_1385dup, p.Lys463fs (NM_001030313.3); c.1499_1538dup, p.Lys514fs (NM_001160277.2); short protein forms K419fs, K514fs, K532fs, K558fs, K463fs.
Identifiers: ClinVar variation 2148897 (VCV002148897.1), dbSNP rs779379367, ClinGen allele CA2010369.